The following is an entry in ClinVar:

ClinVar aggregate classification (germline): Likely benign. Review status: criteria provided, multiple submitters, no conflicts (2 of 4 stars). 3 submissions from 3 submitters: Likely benign (3). Last evaluated 2026-02-01.

Conditions:
TSPAN12-related disorder. Also called: TSPAN12-related condition.

Allele frequency attached by ClinVar (database versions not stated): gnomAD 0.00003; ExAC 0.00005; gnomAD exomes 0.00005 and 0.00009; TOPMed 0.00006.
gnomAD v4.1: 31 of 1,613,834 alleles (0.0019%); highest among the groups gnomAD compares: Admixed American, 0.052%; no homozygotes.

Submissions (3):

Labcorp Genetics (formerly Invitae), Labcorp
Classification: Likely benign. Last evaluated: 2026-02-01. Review status: criteria provided, single submitter. Criteria: Invitae Variant Classification Sherloc (09022015). Collection method: clinical testing. Allele origin: germline.

PreventionGenetics, part of Exact Sciences
Classification: Likely benign for TSPAN12-related condition. Last evaluated: 2025-02-14. Review status: criteria provided, single submitter. Criteria: ACMG Guidelines, 2015. Collection method: clinical testing. Allele origin: germline.
Comment: This variant is classified as likely benign based on ACMG/AMP sequence variant interpretation guidelines (Richards et al. 2015 PMID: 25741868, with internal and published modifications).

Blueprint Genetics
Classification: Likely benign. Last evaluated: 2021-10-11. Review status: criteria provided, single submitter. Criteria: ACMG Guidelines, 2015. Collection method: clinical testing. Allele origin: germline.

NM_012338.4(TSPAN12):c.96T>A (p.Ser32=)

Gene: TSPAN12 (tetraspanin 12; minus strand). Cytogenetic location: 7q31.31.
Variant type: single nucleotide variant.
Coding change: c.96T>A on transcript NM_012338.4 (MANE Select); coding-DNA position 96, T replaced by A.
Protein change: p.Ser32=; no amino-acid change (serine 32 retained).
Molecular consequence: synonymous variant.
Genome position (GRCh38, 1-based): chr7:120,840,080, A>T on the plus strand (T>A on the coding strand, the complement: TSPAN12 is on the minus strand). VCF-style: chr7-120840080-A-T. GRCh37 (hg19) VCF-style: chr7-120480134-A-T.
Other names: c.96T>A (NM_012338.3).
Identifiers: ClinVar variation 1115284 (VCV001115284.11), dbSNP rs761925454, ClinGen allele CA4454000.